The following is an entry in ClinVar:

ClinVar aggregate classification (germline): Uncertain significance. Review status: criteria provided, multiple submitters, no conflicts (2 of 4 stars). 2 submissions from 2 submitters: Uncertain significance (2). Last evaluated 2025-10-15.

Conditions:
Inborn genetic diseases. Identifiers: MedGen C0950123, MeSH D030342.

gnomAD v4.1: 4 of 1,613,466 alleles (0.00025%); highest among the groups gnomAD compares: Non-Finnish European, 0.00034%; no homozygotes.

Submissions (2):

Ambry Genetics
Classification: Uncertain significance for Inborn genetic diseases. Last evaluated: 2025-10-15. Review status: criteria provided, single submitter. Criteria: Ambry Variant Classification Scheme 2023. Collection method: clinical testing. Allele origin: germline.
Comment: The p.L1499R variant (also known as c.4496T>G), located in coding exon 30 of the ANKRD26 gene, results from a T to G substitution at nucleotide position 4496. The leucine at codon 1499 is replaced by arginine, an amino acid with dissimilar properties. This amino acid position is conserved. In addition, the in silico prediction for this alteration is inconclusive. Based on the available evidence, the clinical significance of this variant remains unclear.

GeneDx
Classification: Uncertain significance. Last evaluated: 2025-06-22. Review status: criteria provided, single submitter. Criteria: GeneDx Variant Classification Process June 2021. Collection method: clinical testing. Allele origin: germline. Affected: yes.
Comment: Not observed at significant frequency in large population cohorts (gnomAD); In silico analysis supports that this missense variant has a deleterious effect on protein structure/function; Has not been previously published as pathogenic or benign to our knowledge

NM_014915.3(ANKRD26):c.4496T>G (p.Leu1499Arg)

Gene: ANKRD26 (ankyrin repeat domain 26; minus strand). Cytogenetic location: 10p12.1.
Variant type: single nucleotide variant.
Coding change: c.4496T>G on transcript NM_014915.3 (MANE Select); coding-DNA position 4496, T replaced by G.
Protein change: p.Leu1499Arg; replaces leucine 1499 with arginine.
Molecular consequence: missense variant.
Genome position (GRCh38, 1-based): chr10:27,017,512, A>C on the plus strand (T>G on the coding strand, the complement: ANKRD26 is on the minus strand). VCF-style: chr10-27017512-A-C. GRCh37 (hg19) VCF-style: chr10-27306441-A-C.
Other names: c.4493T>G, p.Leu1498Arg (NM_001256053.2); short protein forms L1498R, L1499R.
Identifiers: ClinVar variation 4538804 (VCV004538804.2).